The following is an entry in ClinVar:

NM_001256071.3(RNF213):c.2615C>T (p.Ala872Val)

Gene: RNF213 (ring finger protein 213; plus strand). Cytogenetic location: 17q25.3.
Variant type: single nucleotide variant.
Coding change: c.2615C>T on transcript NM_001256071.3 (MANE Select); coding-DNA position 2615, C replaced by T.
Protein change: p.Ala872Val; replaces alanine 872 with valine.
Molecular consequence: missense variant.
Genome position (GRCh38, 1-based): chr17:80,309,131, C>T. VCF-style: chr17-80309131-C-T. GRCh37 (hg19) VCF-style: chr17-78282931-C-T.
Other names: p.Ala872Val; c.2762C>T, p.Ala921Val (NM_001410195.1, NM_020914.5); c.2615C>T, p.Ala872Val (NM_020954.4); short protein forms A872V, A921V.
Identifiers: ClinVar variation 4542229 (VCV004542229.1).
Genomic context (GRCh38, chr17:80,309,131, plus strand): 5'-ATGAAGCCATCTGCAGCAGCACAAAGCTACTTAAGTTTTACGAGCTGCCAGCCTTATCTG[C>T]CGAGATTGTCTGCAGAATGATTAGACTTCTATCTCTGGTGGTAAGTGGAGTCAACACACA-3'
Protein context (NP_001243000.2, residues 862-882): LKFYELPALS[Ala872Val]EIVCRMIRLL

ClinVar aggregate classification (germline): Uncertain significance (1 of 4 stars; one submission).

gnomAD v4.1: 1 of 1,614,206 alleles (0.000062%); highest among the groups gnomAD compares: East Asian, 0.0022%; no homozygotes.

Submission:

Mayo Clinic Laboratories, Mayo Clinic
Classification: Uncertain significance. Last evaluated: 2025-07-16. Review status: criteria provided, single submitter. Criteria: ACMG Guidelines, 2015. Collection method: clinical testing. Allele origin: germline. Observed: 1 variant allele.
Comment: BP4_moderate, PM2_supporting